The following is an entry in ClinVar:

ClinVar aggregate classification (germline): Pathogenic (1 of 4 stars; one submission).

Conditions:
Hereditary spastic paraplegia 4. Also called: Familial spastic paraplegia autosomal dominant 2; Spastic paraplegia 4, autosomal dominant; Spastic Paraplegia 4. Identifiers: Orphanet 100985, MedGen C1866855, MONDO:0008438, OMIM 182601.

Submission:

Labcorp Genetics (formerly Invitae), Labcorp
Classification: Pathogenic for Hereditary spastic paraplegia 4. Last evaluated: 2025-07-13. Review status: criteria provided, single submitter. Criteria: Invitae Variant Classification Sherloc (09022015). Collection method: clinical testing. Allele origin: germline.
Comment: This sequence change creates a premature translational stop signal (p.Leu481delinsThrValCysTrpArg*) in the SPAST gene. It is expected to result in an absent or disrupted protein product. Loss-of-function variants in SPAST are known to be pathogenic (PMID: 20932283). This variant is not present in population databases (gnomAD no frequency). This variant has not been reported in the literature in individuals affected with SPAST-related conditions. For these reasons, this variant has been classified as Pathogenic.

Literature cited by the submitters: PubMed 20932283.

NM_014946.4(SPAST):c.1415_1439dup (p.Val480_Leu481insThrValCysTrpArgTer)

Gene: SPAST (spastin; plus strand). Cytogenetic location: 2p22.3.
Variant type: Duplication.
Coding change: c.1415_1439dup on transcript NM_014946.4 (MANE Select); coding-DNA positions 1415 to 1439, 25 bases duplicated (TACAGTCTGCTGGAGATGACAGAGT).
Protein change: p.Val480_Leu481insThrValCysTrpArgTer.
Molecular consequence: nonsense, inframe insertion.
Genome position (GRCh38, 1-based): chr2:32,137,110-32,137,134, TACAGTCTGCTGGAGATGACAGAGT duplicated. VCF-style (leftmost placement, unchanged base first): chr2-32137109-G-GTACAGTCTGCTGGAGATGACAGAGT. GRCh37 (hg19) VCF-style: chr2-32362178-G-GTACAGTCTGCTGGAGATGACAGAGT.
Other names: c.1412_1436dup, p.Val479_Leu480insThrValCysTrpArgTer (NM_001363823.2); c.1316_1340dup, p.Val447_Leu448insThrValCysTrpArgTer (NM_001363875.2); c.1319_1343dup, p.Val448_Leu449insThrValCysTrpArgTer (NM_001377959.1, NM_199436.2).
Identifiers: ClinVar variation 4723070 (VCV004723070.1).